The following is an entry in ClinVar:

NM_021814.5(ELOVL5):c.586C>G (p.Leu196Val)

Gene: ELOVL5 (ELOVL fatty acid elongase 5; minus strand). Cytogenetic location: 6p12.1.
Variant type: single nucleotide variant.
Coding change: c.586C>G on transcript NM_021814.5 (MANE Select); coding-DNA position 586, C replaced by G.
Protein change: p.Leu196Val; replaces leucine 196 with valine.
Molecular consequence: missense variant. On other transcripts: intron variant (1).
Genome position (GRCh38, 1-based): chr6:53,273,255, G>C on the plus strand (C>G on the coding strand, the complement: ELOVL5 is on the minus strand). VCF-style: chr6-53273255-G-C. GRCh37 (hg19) VCF-style: chr6-53138053-G-C.
Other names: c.667C>G, p.Leu223Val (NM_001242828.2); c.586C>G, p.Leu196Val (NM_001301856.2); c.496+1835C>G (NM_001242830.2); short protein forms L196V, L223V.
Identifiers: ClinVar variation 2016003 (VCV002016003.4), dbSNP rs2533718376, ClinGen allele CA364476363.

ClinVar aggregate classification (germline): Uncertain significance (1 of 4 stars; one submission).

Submission:

Labcorp Genetics (formerly Invitae), Labcorp
Classification: Uncertain significance. Last evaluated: 2022-07-29. Review status: criteria provided, single submitter. Criteria: Invitae Variant Classification Sherloc (09022015). Collection method: clinical testing. Allele origin: germline.
Comment: Algorithms developed to predict the effect of missense changes on protein structure and function are either unavailable or do not agree on the potential impact of this missense change (SIFT: "Deleterious"; PolyPhen-2: "Possibly Damaging"; Align-GVGD: "Class C0"). This variant has not been reported in the literature in individuals affected with ELOVL5-related conditions. This variant is not present in population databases (gnomAD no frequency). This sequence change replaces leucine, which is neutral and non-polar, with valine, which is neutral and non-polar, at codon 196 of the ELOVL5 protein (p.Leu196Val). In summary, the available evidence is currently insufficient to determine the role of this variant in disease. Therefore, it has been classified as a Variant of Uncertain Significance.